The following is an entry in ClinVar:

NM_001267550.2(TTN):c.77149_77150del (p.Leu25717fs)

Genes: TTN (titin; minus strand), TTN-AS1 (TTN antisense RNA 1; plus strand). Cytogenetic location: 2q31.2.
Variant type: Microsatellite.
Coding change: c.77149_77150del on transcript NM_001267550.2 (MANE Select); coding-DNA positions 77149 to 77150, 2 bases deleted (CT; older notation c.77149_77150delCT).
Protein change: p.Leu25717fs; shifts the reading frame from leucine 25717.
Molecular consequence: frameshift variant.
Genome position (GRCh38, 1-based): chr2:178,568,982-178,568,983, AG deleted on the plus strand (CT on the coding strand, the reverse complement: TTN is on the minus strand); deleting any 2 consecutive bases within chr2:178,568,982-178,568,988 gives the same sequence; the c. name uses the placement nearest the transcript's 3' end. VCF-style (leftmost placement, unchanged base first): chr2-178568981-CAG-C. GRCh37 (hg19) VCF-style: chr2-179433708-CAG-C.
Other names: c.72226_72227del, p.Leu24076fs (NM_001256850.1); c.49954_49955del, p.Leu16652fs (NM_003319.4); c.69445_69446del, p.Leu23149fs (NM_133378.4); c.50329_50330del, p.Leu16777fs (NM_133432.3); c.50530_50531del, p.Leu16844fs (NM_133437.4); short protein forms L16652fs, L16777fs, L16844fs, L23149fs, L24076fs, L25717fs.
Identifiers: ClinVar variation 3075744 (VCV003075744.1), dbSNP rs1466647934, ClinGen allele CA761289667.

ClinVar aggregate classification (germline): Likely pathogenic (1 of 4 stars; one submission).

Conditions:
Primary dilated cardiomyopathy (DCM). Also called: Dilated Cardiomyopathy. Identifiers: Orphanet 217604, MedGen C0007193, MeSH D002311, MONDO:0005021, HP:0001644. Inheritance: Various modes of inheritance.

Submission:

Laboratory for Molecular Medicine, Mass General Brigham Personalized Medicine
Classification: Likely pathogenic for Primary dilated cardiomyopathy. Last evaluated: 2019-01-25. Review status: criteria provided, single submitter. Criteria: ACMG Guidelines, 2015. Collection method: clinical testing. Allele origin: germline.
Comment: The p.Leu23149GlufsX6 variant in TTN has not been reported in individuals with TTN-associated diseases, such as dilated cardiomyopathy and neuromuscular conditions and was absent from large population studies. This variant is predicted to cause a frameshift, which alters the protein’s amino acid sequence beginning at position 23149 and leads to a premature termination codon 6 amino acids downstream. This alteration is then predicted to lead to a truncated or absent protein. TTN truncating variants located in exons that are highly expressed in the heart are strongly associated with autosomal dominant DCM, particularly if they are located in the A-band (Herman 2012, Pugh 2014, Roberts 2015). In addition, TTN variants have also been associated with myopathies and other neuromuscular conditions, which usually have autosomal recessive inheritance (Savarese 2016). The p.Leu23149GlufsX6 variant is located in the A-band. In summary, although additional studies are required to fully establish its clinical significance, this variant meets criteria to be classified as likely pathogenic for TTN-associated diseases. ACMG/AMP Criteria applied: PVS1, PM2.